The following is an entry in ClinVar:

NM_024675.4(PALB2):c.3320T>C (p.Leu1107Pro)

Gene: PALB2 (partner and localizer of BRCA2; minus strand). Cytogenetic location: 16p12.2.
Variant type: single nucleotide variant.
Coding change: c.3320T>C on transcript NM_024675.4 (MANE Select); coding-DNA position 3320, T replaced by C.
Protein change: p.Leu1107Pro; replaces leucine 1107 with proline.
Molecular consequence: missense variant.
Genome position (GRCh38, 1-based): chr16:23,607,894, A>G on the plus strand (T>C on the coding strand, the complement: PALB2 is on the minus strand). VCF-style: chr16-23607894-A-G. GRCh37 (hg19) VCF-style: chr16-23619215-A-G.
Other names: short protein forms L1107P.
Identifiers: ClinVar variation 142465 (VCV000142465.37), dbSNP rs149194681, ClinGen allele CA168427.

ClinVar aggregate classification (germline): Conflicting classifications of pathogenicity. Review status: criteria provided, conflicting classifications (1 of 4 stars). 14 submissions from 14 submitters: Uncertain significance (13); Likely benign (1). Last evaluated 2026-08-06.

Conditions:
Monogenic short statue.
Breast-ovarian cancer, familial, susceptibility to, 5 (BROVCA5). Identifiers: MedGen C5830615, MONDO:0957530, OMIM 620442.
Fanconi anemia complementation group N. Also called: PALB2-Related Fanconi Anemia. Identifiers: Orphanet 84, MedGen C1835817, MONDO:0012565, OMIM 610832. Disease mechanism: loss of function.
Pancreatic cancer, susceptibility to, 3. Identifiers: Orphanet 1333, MedGen C3150547, MONDO:0013236, OMIM 613348.
Hereditary cancer-predisposing syndrome. Also called: Neoplastic Syndromes, Hereditary; Hereditary Cancer Syndrome; Tumor predisposition; Hereditary neoplastic syndrome. Identifiers: Orphanet 140162, MedGen C0027672, MeSH D009386, MONDO:0015356.
Familial cancer of breast. Also called: hereditary breast carcinoma; Hereditary breast cancer; BREAST CANCER, FAMILIAL. Identifiers: Orphanet 227535, MedGen C0346153, MONDO:0016419, OMIM 114480. Disease mechanism: loss of function.

Allele frequency attached by ClinVar (database versions not stated): TOPMed below 0.00001; ExAC 0.00001; gnomAD 0.00001; gnomAD exomes 0.00001; ESP Exome Variant Server 0.00008.
gnomAD v4.1: 16 of 1,613,994 alleles (0.00099%); highest among the groups gnomAD compares: Middle Eastern, 0.016%; no homozygotes.

Submissions (14):

NHS Central & South Genomic Laboratory Hub
Classification: Uncertain significance for Monogenic short statue. Last evaluated: 2026-08-06. Review status: criteria provided, single submitter. Criteria: ACMG Guidelines, 2015. Collection method: clinical testing. Allele origin: germline. Affected: yes.

Labcorp Genetics (formerly Invitae), Labcorp
Classification: Uncertain significance for Familial cancer of breast. Last evaluated: 2026-01-19. Review status: criteria provided, single submitter. Criteria: Invitae Variant Classification Sherloc (09022015). Collection method: clinical testing. Allele origin: germline.
Comment: This sequence change replaces leucine, which is neutral and non-polar, with proline, which is neutral and non-polar, at codon 1107 of the PALB2 protein (p.Leu1107Pro). This variant is present in population databases (rs149194681, gnomAD 0.002%). This missense change has been observed in individual(s) with breast cancer (PMID: 30303537, 33980423). ClinVar contains an entry for this variant (Variation ID: 142465). An algorithm developed to predict the effect of missense changes on protein structure and function outputs the following: PolyPhen-2: "Benign". The proline amino acid residue is found in multiple mammalian species, which suggests that this missense change does not adversely affect protein function. Experimental studies have shown that this missense change does not substantially affect PALB2 function (PMID: 31636395). In summary, the available evidence is currently insufficient to determine the role of this variant in disease. Therefore, it has been classified as a Variant of Uncertain Significance.

Center for Genomic Medicine, Rigshospitalet, Copenhagen University Hospital
Classification: Uncertain significance. Last evaluated: 2025-03-04. Review status: criteria provided, single submitter. Criteria: ACMG Guidelines, 2015. Collection method: clinical testing. Allele origin: germline.

GeneDx
Classification: Uncertain significance. Last evaluated: 2024-07-22. Review status: criteria provided, single submitter. Criteria: GeneDx Variant Classification Process June 2021. Collection method: clinical testing. Allele origin: germline. Affected: yes.
Comment: Not observed at significant frequency in large population cohorts (gnomAD); In silico analysis indicates that this missense variant does not alter protein structure/function; Identified in individual(s) with breast cancer (PMID: 30303537); Published functional studies suggest no damaging effect: demonstrates homology directed repair (HDR) activity similar to wild type (PMID: 31636395); This variant is associated with the following publications: (PMID: 24123366, 31159747, 30303537, 31636395)

Ambry Genetics
Classification: Likely benign for Hereditary cancer-predisposing syndrome. Last evaluated: 2024-06-28. Review status: criteria provided, single submitter. Criteria: Ambry Variant Classification Scheme 2023. Collection method: clinical testing. Allele origin: germline.

Baylor Genetics
Classification: Uncertain significance for Familial cancer of breast. Last evaluated: 2024-03-22. Review status: criteria provided, single submitter. Criteria: ACMG Guidelines, 2015. Collection method: clinical testing. Allele origin: unknown.

Color Diagnostics, LLC DBA Color Health
Classification: Uncertain significance for Hereditary cancer-predisposing syndrome. Last evaluated: 2023-11-28. Review status: criteria provided, single submitter. Criteria: ACMG Guidelines, 2015. Collection method: clinical testing. Allele origin: germline.
Comment: This missense variant replaces leucine with proline at codon 1107 of the PALB2 protein. Computational prediction suggests that this variant may not impact protein structure and function. A functional study has reported that this variant does not impact PALB2 function in a homology-directed repair assay (PMID: 31636395). This variant has been reported in individuals affected with breast cancer (PMID: 30303537, 33980423) and in a breast cancer case-control meta-analysis in 10/60466 cases and 3/53461 unaffected individuals (PMID: 33471991; Leiden Open Variation Database DB-ID PALB2_010666). This variant also has been detected with expected loss-of-function truncation variants in PALB2 or BRCA2 in individuals affected with PALB2/BRCA2-associated cancer (Color internal data). This variant has been identified in 3/282872 chromosomes in the general population by the Genome Aggregation Database (gnomAD). The available evidence is insufficient to determine the role of this variant in disease conclusively. Therefore, this variant is classified as a Variant of Uncertain Significance.

Revvity Omics, Revvity
Classification: Uncertain significance. Last evaluated: 2023-10-20. Review status: criteria provided, single submitter. Criteria: ACMG Guidelines, 2015. Collection method: clinical testing. Allele origin: germline.

KCCC/NGS Laboratory, Kuwait Cancer Control Center
Classification: Uncertain significance for Breast-ovarian cancer, familial, susceptibility to, 5. Last evaluated: 2023-07-07. Review status: criteria provided, single submitter. Criteria: ACMG Guidelines, 2015. Collection method: clinical testing. Allele origin: unknown. Affected: yes.
Comment: This sequence change replaces leucine with proline at codon 1107 of the PALB2 protein (p.Leu1107Pro). This variant is present in population databases (rs149194681, ExAC 0.001%). This variant has been observed in an individual with breast cancer (PMID: 30303537). ClinVar contains an entry for this variant (Variation ID: 142465) with 6 submissions all of which describe it as of uncertain significance, 2 stars, no conflicts. In-silico predictions show benign computational verdict based on 11 benign predictions from BayesDel_addAF, DANN, DEOGEN2, EIGEN, FATHMM-MKL, LIST-S2, M-CAP, MVP, MutationAssessor, PrimateAI and SIFT vs 1 pathogenic prediction from MutationTaster and the position is not strongly conserved. These predictions have not been confirmed by published functional studies.Therefore, it has been classified as a Variant of Uncertain Significance.

Genetic Services Laboratory, University of Chicago
Classification: Uncertain significance. Last evaluated: 2021-11-18. Review status: criteria provided, single submitter. Criteria: ACMG Guidelines, 2015. Collection method: clinical testing. Allele origin: germline. Affected: no.
Comment: DNA sequence analysis of the PALB2 gene demonstrated a sequence change, c.3320T>C, in exon 12 that results in an amino acid change, p.Leu1107Pro. This sequence change has been described in the gnomAD database with a frequency of 0.0023% in the non-Finnish European subpopulation (dbSNP rs149194681). This sequence change has been previously identified in individuals with a personal and/or family history of breast cancer (PMID: 30303537, 31159747). The p.Leu1107Pro change affects a moderately conserved amino acid residue located in a domain of the PALB2 protein that is known to be functional. In-silico pathogenicity prediction tools (SIFT, PolyPhen2, Align GVGD, REVEL) provide contradictory results for the p.Leu1107Pro substitution. An experimental study evaluating PALB2 function using a cellular homology directed DNA repair (HDR) assay demonstrated that this variant did not disrupt HDR to the same level as known pathogenic variants (PMID: 31636395). Due to insufficient evidences, the clinical significance of the p.Leu1107Pro change remains unknown at this time.

Sema4
Classification: Uncertain significance for Hereditary cancer-predisposing syndrome. Last evaluated: 2021-09-07. Review status: criteria provided, single submitter. Criteria: Sema4 Curation Guidelines. Collection method: curation. Allele origin: germline.
Comment: The PALB2 c.3320T>C (p.L1107P) variant has been reported in individuals with personal or family history of breast and/or ovarian cancer (PMID: 30303537, 31159747, 33471991). It was observed in 3/129182 chromosomes of the Non-Finnish European subpopulation in the large and broad cohorts of the Genome Aggregation Database (PMID: 32461654). The variant has been reported in ClinVar (Variation ID 142465). In silico tools suggest the impact of the variant on protein function is benign and a functional study reported a normal activity in a homology-directed repair assay (PMID: 31636395). The evidence is insufficient to meet ACMG/AMP criteria for classifying the variant as benign or pathogenic. Thus, the clinical significance of this variant is currently uncertain.

Department of Pathology and Laboratory Medicine, Sinai Health System
Classification: Uncertain significance for Fanconi anemia complementation group N; Pancreatic cancer, susceptibility to, 3; Breast-ovarian cancer, familial, susceptibility to, 5. Last evaluated: 2021-07-30. Review status: criteria provided, single submitter. Criteria: ACMG Guidelines, 2015. Collection method: research. Allele origin: germline.

Quest Diagnostics Nichols Institute San Juan Capistrano
Classification: Uncertain significance. Last evaluated: 2020-09-10. Review status: criteria provided, single submitter. Criteria: Quest Diagnostics criteria. Collection method: clinical testing. Allele origin: unknown.

GeneKor MSA
Classification: Uncertain significance for Hereditary cancer-predisposing syndrome. Last evaluated: 2018-08-01. Review status: criteria provided, single submitter. Criteria: ACMG Guidelines, 2015. Collection method: clinical testing. Allele origin: germline. Affected: yes.

Literature cited by the submitters: PubMed 30303537 (cited by 5 submitters); PubMed 33980423 (cited by Labcorp Genetics (formerly Invitae), Labcorp and Color Diagnostics, LLC DBA Color Health); PubMed 31636395 (cited by 4 submitters); PubMed 31159747 (cited by 3 submitters); PubMed 33471991 (cited by Color Diagnostics, LLC DBA Color Health and Sema4).